The following is an entry in ClinVar:

ClinVar aggregate classification (germline): Uncertain significance (1 of 4 stars; one submission).

Allele frequency attached by ClinVar (database versions not stated): gnomAD exomes below 0.00001 and 0.00001; TOPMed below 0.00001.
gnomAD v4.1: 16 of 1,614,046 alleles (0.00099%); highest among the groups gnomAD compares: Non-Finnish European, 0.0014%; no homozygotes.

Submission:

Labcorp Genetics (formerly Invitae), Labcorp
Classification: Uncertain significance. Last evaluated: 2022-01-03. Review status: criteria provided, single submitter. Criteria: Invitae Variant Classification Sherloc (09022015). Collection method: clinical testing. Allele origin: germline.
Comment: This variant is not present in population databases (gnomAD no frequency). This sequence change replaces lysine, which is basic and polar, with methionine, which is neutral and non-polar, at codon 347 of the WHRN protein (p.Lys347Met). This variant has not been reported in the literature in individuals affected with WHRN-related conditions. ClinVar contains an entry for this variant (Variation ID: 1005095). Algorithms developed to predict the effect of missense changes on protein structure and function are either unavailable or do not agree on the potential impact of this missense change (SIFT: "Deleterious"; PolyPhen-2: "Probably Damaging"; Align-GVGD: "Class C0"). In summary, the available evidence is currently insufficient to determine the role of this variant in disease. Therefore, it has been classified as a Variant of Uncertain Significance.

NM_015404.4(WHRN):c.1040A>T (p.Lys347Met)

Gene: WHRN (whirlin; minus strand). Cytogenetic location: 9q32.
Variant type: single nucleotide variant.
Coding change: c.1040A>T on transcript NM_015404.4 (MANE Select); coding-DNA position 1040, A replaced by T.
Protein change: p.Lys347Met; replaces lysine 347 with methionine.
Molecular consequence: missense variant. On other transcripts: 5 prime UTR variant (1).
Genome position (GRCh38, 1-based): chr9:114,426,337, T>A on the plus strand (A>T on the coding strand, the complement: WHRN is on the minus strand). VCF-style: chr9-114426337-T-A. GRCh37 (hg19) VCF-style: chr9-117188617-T-A.
Other names: c.-110A>T (NM_001083885.3); c.1040A>T, p.Lys347Met (NM_001173425.2); short protein forms K347M.
Identifiers: ClinVar variation 1005095 (VCV001005095.8), dbSNP rs1564139980, ClinGen allele CA374610617.